The following is an entry in ClinVar:

NM_152419.3(HGSNAT):c.490C>T (p.Leu164Phe)

Gene: HGSNAT (heparan-alpha-glucosaminide N-acetyltransferase; plus strand). Cytogenetic location: 8p11.21.
Variant type: single nucleotide variant.
Coding change: c.490C>T on transcript NM_152419.3 (MANE Select); coding-DNA position 490, C replaced by T.
Protein change: p.Leu164Phe; replaces leucine 164 with phenylalanine.
Molecular consequence: missense variant. On other transcripts: 5 prime UTR variant (1).
Genome position (GRCh38, 1-based): chr8:43,159,041, C>T. VCF-style: chr8-43159041-C-T. GRCh37 (hg19) VCF-style: chr8-43014184-C-T.
Other names: c.490C>T, p.Leu164Phe (NM_001363227.2, NM_001363228.2); c.-344C>T (NM_001363229.2); short protein forms L164F.
Identifiers: ClinVar variation 1374391 (VCV001374391.6), dbSNP rs2130715697, ClinGen allele CA371115708.
Genomic context (GRCh38, chr8:43,159,041, plus strand): 5'-AATGGAGTTAGTGAAATTGCCTGTGACCTGGCTGTGAACGAGGATCCAGTTGATAGTAAC[C>T]TTCGTACGTATATGTTCTCTGCTGATTTTCACATTTGCATTTTCAGAGGTTTCAGTTTTT-3'
Protein context (NP_689632.2, residues 154-174): AVNEDPVDSN[Leu164Phe]PVSIAFLIGL

ClinVar aggregate classification (germline): Uncertain significance (1 of 4 stars; one submission).

Conditions:
Retinitis pigmentosa 73 (RP73). Identifiers: Orphanet 791, MedGen C4225287, MONDO:0014687, OMIM 616544.
Mucopolysaccharidosis, MPS-III-C (MPS3C). Also called: MPS IIIC (Sanfilippo Syndrome Type C); MUCOPOLYSACCHARIDOSIS, TYPE IIIC; Mucopolysaccharidosis type IIIC (Sanfilippo C); SANFILIPPO SYNDROME C; MPS III C; mucopolysaccharidosis type 3C. Identifiers: Orphanet 581, Orphanet 79271, MedGen C0086649, MONDO:0009657, OMIM 252930.

Allele frequency attached by ClinVar (database versions not stated): gnomAD exomes below 0.00001.
gnomAD v4.1: 2 of 1,613,182 alleles (0.00012%); highest among the groups gnomAD compares: Non-Finnish European, 0.00017%; no homozygotes.

Submission:

Labcorp Genetics (formerly Invitae), Labcorp
Classification: Uncertain significance for Retinitis pigmentosa 73; Mucopolysaccharidosis, MPS-III-C. Last evaluated: 2021-08-12. Review status: criteria provided, single submitter. Criteria: Invitae Variant Classification Sherloc (09022015). Collection method: clinical testing. Allele origin: germline.
Comment: In summary, the available evidence is currently insufficient to determine the role of this variant in disease. Therefore, it has been classified as a Variant of Uncertain Significance. Advanced modeling of protein sequence and biophysical properties (such as structural, functional, and spatial information, amino acid conservation, physicochemical variation, residue mobility, and thermodynamic stability) performed at Invitae indicates that this missense variant is not expected to disrupt HGSNAT protein function. This variant has not been reported in the literature in individuals affected with HGSNAT-related conditions. This variant is not present in population databases (ExAC no frequency). This sequence change replaces leucine with phenylalanine at codon 164 of the HGSNAT protein (p.Leu164Phe). The leucine residue is moderately conserved and there is a small physicochemical difference between leucine and phenylalanine.